The following is an entry in ClinVar:

ClinVar aggregate classification (germline): Uncertain significance (1 of 4 stars; one submission).

Conditions:
Neurofibromatosis, type 1 (NF1). Also called: VON RECKLINGHAUSEN DISEASE; Peripheral type neurofibromatosis; Neurofibromatosis, type I; NEUROFIBROMATOSIS, TYPE I, SOMATIC. Identifiers: Orphanet 636, MedGen C0027831, MONDO:0018975, OMIM 162200. Disease mechanism: loss of function.

Submission:

Labcorp Genetics (formerly Invitae), Labcorp
Classification: Uncertain significance for Neurofibromatosis, type 1. Last evaluated: 2025-08-25. Review status: criteria provided, single submitter. Criteria: Invitae Variant Classification Sherloc (09022015). Collection method: clinical testing. Allele origin: germline.
Comment: This sequence change replaces phenylalanine, which is neutral and non-polar, with leucine, which is neutral and non-polar, at codon 406 of the NF1 protein (p.Phe406Leu). This variant is not present in population databases (gnomAD no frequency). This variant has not been reported in the literature in individuals affected with NF1-related conditions. ClinVar contains an entry for this variant (Variation ID: 2820601). Invitae Evidence Modeling of protein sequence and biophysical properties (such as structural, functional, and spatial information, amino acid conservation, physicochemical variation, residue mobility, and thermodynamic stability) indicates that this missense variant is expected to disrupt NF1 protein function with a positive predictive value of 95%. In summary, the available evidence is currently insufficient to determine the role of this variant in disease. Therefore, it has been classified as a Variant of Uncertain Significance.

NM_001042492.3(NF1):c.1216T>C (p.Phe406Leu)

Gene: NF1 (neurofibromin 1; plus strand). Cytogenetic location: 17q11.2.
Variant type: single nucleotide variant.
Coding change: c.1216T>C on transcript NM_001042492.3 (MANE Select); coding-DNA position 1216, T replaced by C.
Protein change: p.Phe406Leu; replaces phenylalanine 406 with leucine.
Molecular consequence: missense variant.
Genome position (GRCh38, 1-based): chr17:31,201,441, T>C. VCF-style: chr17-31201441-T-C. GRCh37 (hg19) VCF-style: chr17-29528459-T-C.
Other names: c.1216T>C, p.Phe406Leu (NM_001128147.3, NM_000267.4); short protein forms F406L.
Identifiers: ClinVar variation 2820601 (VCV002820601.3), dbSNP rs2143886113, ClinGen allele CA398997556.
Genomic context (GRCh38, chr17:31,201,441, plus strand): 5'-TAATCTGCTTTTTTTTTTCTTTTTCTATAGATCTGCCTGGCTCAGAATTCACCTTCTACA[T>C]TTCACTATGTGCTGGTAAATTCACTCCATCGAATCATCACCAATGTAAGTCCAAAAGGTA-3'
Protein context (NP_001035957.1, residues 396-416): ICLAQNSPST[Phe406Leu]HYVLVNSLHR